The following is an entry in ClinVar:

NM_000166.6(GJB1):c.843_846del (p.Cys283fs)

Gene: GJB1 (gap junction protein beta 1; plus strand). Cytogenetic location: Xq13.1.
Variant type: Deletion.
Coding change: c.843_846del on transcript NM_000166.6 (MANE Select); coding-DNA positions 843 to 846, 4 bases deleted (GGCC; older notation c.843_846delGGCC).
Protein change: p.Cys283fs; shifts the reading frame from cysteine 283.
Molecular consequence: frameshift variant.
Genome position (GRCh38, 1-based): chrX:71,224,550-71,224,553, GGCC deleted; deleting any 4 consecutive bases within chrX:71,224,549-71,224,553 gives the same sequence; the c. name uses the placement nearest the transcript's 3' end. VCF-style (leftmost placement, unchanged base first): chrX-71224548-TCGGC-T. GRCh37 (hg19) VCF-style: chrX-70444398-TCGGC-T.
Other names: c.843_846del, p.Cys283fs (NM_001097642.3); short protein forms C283fs.
Identifiers: ClinVar variation 804723 (VCV000804723.1), dbSNP rs1602350059, ClinGen allele CA915951229.

ClinVar aggregate classification (germline): Pathogenic (1 of 4 stars; one submission).

Submission:

Athena Diagnostics
Classification: Pathogenic. Last evaluated: 2019-05-10. Review status: criteria provided, single submitter. Criteria: Athena Diagnostics Criteria. Collection method: clinical testing. Allele origin: germline.
Comment: The variant results in a shift of the reading frame, and is therefore predicted to result in the loss of a functional protein. Found in at least one symptomatic patient, and not found in general population data.